The following is an entry in ClinVar:

ClinVar aggregate classification (germline): Uncertain significance (1 of 4 stars; one submission).

Conditions:
Acrocallosal syndrome (ACLS). Also called: HALLUX DUPLICATION, POSTAXIAL POLYDACTYLY, AND ABSENCE OF CORPUS CALLOSUM; Schinzel syndrome 1; Absence of corpus callosum with unusual facial appearance, mental deficiency, duplication of the halluces and polydactyly. Identifiers: Orphanet 36, MedGen C0796147, MONDO:0008708, OMIM 200990.

Allele frequency attached by ClinVar (database versions not stated): TOPMed 0.00002.
gnomAD v4.1: 7 of 1,610,450 alleles (0.00043%); highest among the groups gnomAD compares: African/African-American, 0.004%; no homozygotes.

Submission:

Labcorp Genetics (formerly Invitae), Labcorp
Classification: Uncertain significance for Acrocallosal syndrome. Last evaluated: 2025-06-16. Review status: criteria provided, single submitter. Criteria: Invitae Variant Classification Sherloc (09022015). Collection method: clinical testing. Allele origin: germline.
Comment: This sequence change replaces valine, which is neutral and non-polar, with phenylalanine, which is neutral and non-polar, at codon 790 of the KIF7 protein (p.Val790Phe). The frequency data for this variant in the population databases is considered unreliable, as metrics indicate poor data quality at this position in the gnomAD database. This variant has not been reported in the literature in individuals affected with KIF7-related conditions. ClinVar contains an entry for this variant (Variation ID: 2182177). Invitae Evidence Modeling of protein sequence and biophysical properties (such as structural, functional, and spatial information, amino acid conservation, physicochemical variation, residue mobility, and thermodynamic stability) indicates that this missense variant is not expected to disrupt KIF7 protein function with a negative predictive value of 80%. In summary, the available evidence is currently insufficient to determine the role of this variant in disease. Therefore, it has been classified as a Variant of Uncertain Significance.

NM_198525.3(KIF7):c.2368G>T (p.Val790Phe)

Gene: KIF7 (kinesin family member 7; minus strand). Cytogenetic location: 15q26.1.
Variant type: single nucleotide variant.
Coding change: c.2368G>T on transcript NM_198525.3 (MANE Select); coding-DNA position 2368, G replaced by T.
Protein change: p.Val790Phe; replaces valine 790 with phenylalanine.
Molecular consequence: missense variant.
Genome position (GRCh38, 1-based): chr15:89,642,229, C>A on the plus strand (G>T on the coding strand, the complement: KIF7 is on the minus strand). VCF-style: chr15-89642229-C-A. GRCh37 (hg19) VCF-style: chr15-90185460-C-A.
Other names: short protein forms V790F.
Identifiers: ClinVar variation 2182177 (VCV002182177.2), dbSNP rs929788182, ClinGen allele CA274576850.